The following is an entry in ClinVar:

NM_003742.4(ABCB11):c.801G>A (p.Thr267=)

Gene: ABCB11 (ATP binding cassette subfamily B member 11; minus strand). Cytogenetic location: 2q31.1.
Variant type: single nucleotide variant.
Coding change: c.801G>A on transcript NM_003742.4 (MANE Select); coding-DNA position 801, G replaced by A.
Protein change: p.Thr267=; no amino-acid change (threonine 267 retained).
Molecular consequence: synonymous variant.
Genome position (GRCh38, 1-based): chr2:168,990,908, C>T on the plus strand (G>A on the coding strand, the complement: ABCB11 is on the minus strand). VCF-style: chr2-168990908-C-T. GRCh37 (hg19) VCF-style: chr2-169847418-C-T.
Other names: c.801G>A, p.Thr267= (LRG_1199t1).
Identifiers: ClinVar variation 507528 (VCV000507528.9), dbSNP rs753433179, ClinGen allele CA1951790.
Genomic context (GRCh38, chr2:168,990,908, plus strand): 5'-TGATGAAATGACTTCATCAGCCACCACCCCTGCTTTGGCATAGGCCTTCAGCTCATAGTC[C>T]GTAAACTTGGACACACTCTAAAAATCAAAAAGAAGAAAAGAAAATGTGAAGTCCAAGAAA-3'
Protein context (NP_003733.2, residues 257-277): ATIGLSVSKF[Thr267=]DYELKAYAKA

ClinVar aggregate classification (germline): Likely benign. Review status: criteria provided, multiple submitters, no conflicts (2 of 4 stars). 2 submissions from 2 submitters: Likely benign (2). Last evaluated 2024-02-05.

Allele frequency attached by ClinVar (database versions not stated): ExAC 0.00002; gnomAD 0.00003; gnomAD exomes 0.00003 and 0.00005; TOPMed 0.00003.
gnomAD v4.1: 88 of 1,612,392 alleles (0.0055%); highest among the groups gnomAD compares: Non-Finnish European, 0.0062%; no homozygotes.

Submissions (2):

Labcorp Genetics (formerly Invitae), Labcorp
Classification: Likely benign. Last evaluated: 2024-02-05. Review status: criteria provided, single submitter. Criteria: Invitae Variant Classification Sherloc (09022015). Collection method: clinical testing. Allele origin: germline.

GeneDx
Classification: Likely benign. Last evaluated: 2017-03-03. Review status: criteria provided, single submitter. Criteria: GeneDx Variant Classification (06012015). Collection method: clinical testing. Allele origin: germline. Affected: yes.
Comment: This variant is considered likely benign or benign based on one or more of the following criteria: it is a conservative change, it occurs at a poorly conserved position in the protein, it is predicted to be benign by multiple in silico algorithms, and/or has population frequency not consistent with disease.